The following is an entry in ClinVar:

NM_032119.4(ADGRV1):c.358-2A>G

Gene: ADGRV1 (adhesion G protein-coupled receptor V1; plus strand). Cytogenetic location: 5q14.3.
Variant type: single nucleotide variant.
Coding change: c.358-2A>G on transcript NM_032119.4 (MANE Select); the canonical splice acceptor site of the intron before coding-DNA position 358, A replaced by G.
Molecular consequence: splice acceptor variant.
Genome position (GRCh38, 1-based): chr5:90,619,084, A>G. VCF-style: chr5-90619084-A-G. GRCh37 (hg19) VCF-style: chr5-89914901-A-G.
Identifiers: ClinVar variation 5006930 (VCV005006930.2).

ClinVar aggregate classification (germline): Uncertain significance (1 of 4 stars; one submission).

Conditions:
Usher syndrome type 2C. Also called: Usher syndrome, type 2B; USHER SYNDROME, TYPE IIC. Identifiers: Orphanet 231178, Orphanet 886, MedGen C2931213, MONDO:0011558, OMIM 605472.
Febrile seizures, familial, 4 (FEB4). Also called: CONVULSIONS, FAMILIAL FEBRILE, 4. Identifiers: MedGen C1858493, MONDO:0011443, OMIM 604352.

Submission:

Juno Genomics, Hangzhou Juno Genomics, Inc
Classification: Uncertain significance for Febrile seizures, familial, 4; Usher syndrome type 2C. Review status: criteria provided, single submitter. Criteria: ACMG Guidelines, 2015. Collection method: clinical testing. Allele origin: germline.
Comment: Null variant in a gene where loss of function (LOF) is a known mechanism of disease.;Absent from controls (or at extremely low frequency if recessive) in Genome Aggregation Database.